The following is an entry in ClinVar:

NM_006306.4(SMC1A):c.2977G>A (p.Ala993Thr)

Gene: SMC1A (structural maintenance of chromosomes 1A; minus strand). Cytogenetic location: Xp11.22.
Variant type: single nucleotide variant.
Coding change: c.2977G>A on transcript NM_006306.4 (MANE Select); coding-DNA position 2977, G replaced by A.
Protein change: p.Ala993Thr; replaces alanine 993 with threonine.
Molecular consequence: missense variant.
Genome position (GRCh38, 1-based): chrX:53,383,250, C>T on the plus strand (G>A on the coding strand, the complement: SMC1A is on the minus strand). VCF-style: chrX-53383250-C-T. GRCh37 (hg19) VCF-style: chrX-53410171-C-T.
Other names: c.2911G>A, p.Ala971Thr (NM_001281463.1); short protein forms A971T, A993T.
Identifiers: ClinVar variation 3634914 (VCV003634914.2).

ClinVar aggregate classification (germline): Uncertain significance (1 of 4 stars; one submission).

Conditions:
Congenital muscular hypertrophy-cerebral syndrome (CDLS2). Also called: SMC1A-Related Cornelia de Lange Syndrome; Cornelia de Lange syndrome 2. Identifiers: Orphanet 199, MedGen C1802395, MONDO:0010370, OMIM 300590.

Submission:

Labcorp Genetics (formerly Invitae), Labcorp
Classification: Uncertain significance for Congenital muscular hypertrophy-cerebral syndrome. Last evaluated: 2024-05-09. Review status: criteria provided, single submitter. Criteria: Invitae Variant Classification Sherloc (09022015). Collection method: clinical testing. Allele origin: germline.
Comment: This sequence change replaces alanine, which is neutral and non-polar, with threonine, which is neutral and polar, at codon 993 of the SMC1A protein (p.Ala993Thr). This variant is not present in population databases (gnomAD no frequency). This variant has not been reported in the literature in individuals affected with SMC1A-related conditions. Advanced modeling of protein sequence and biophysical properties (such as structural, functional, and spatial information, amino acid conservation, physicochemical variation, residue mobility, and thermodynamic stability) performed at Invitae indicates that this missense variant is not expected to disrupt SMC1A protein function with a negative predictive value of 95%. In summary, the available evidence is currently insufficient to determine the role of this variant in disease. Therefore, it has been classified as a Variant of Uncertain Significance.